The following is an entry in ClinVar:

NM_006312.6(NCOR2):c.2124G>A (p.Ser708=)

Gene: NCOR2 (nuclear receptor corepressor 2; minus strand). Cytogenetic location: 12q24.31.
Variant type: single nucleotide variant.
Coding change: c.2124G>A on transcript NM_006312.6 (MANE Select); coding-DNA position 2124, G replaced by A.
Protein change: p.Ser708=; no amino-acid change (serine 708 retained).
Molecular consequence: synonymous variant.
Genome position (GRCh38, 1-based): chr12:124,378,280, C>T on the plus strand (G>A on the coding strand, the complement: NCOR2 is on the minus strand). VCF-style: chr12-124378280-C-T. GRCh37 (hg19) VCF-style: chr12-124862826-C-T.
Other names: c.2121G>A, p.Ser707= (NM_001077261.4, NM_001206654.2).
Identifiers: ClinVar variation 3905572 (VCV003905572.10).

ClinVar aggregate classification (germline): Likely benign (1 of 4 stars; one submission).

gnomAD v4.1: 20 of 1,613,896 alleles (0.0012%); highest among the groups gnomAD compares: South Asian, 0.012%; no homozygotes.

Submission:

CeGaT Center for Human Genetics Tuebingen
Classification: Likely benign. Last evaluated: 2025-06-01. Review status: criteria provided, single submitter. Criteria: CeGaT Center For Human Genetics Tuebingen Variant Classification Criteria Version 2. Collection method: clinical testing. Allele origin: germline. Affected: yes. Observed: 1 variant allele.
Comment: NCOR2: BP4, BP7